The following is an entry in ClinVar:

NM_006031.6(PCNT):c.8685G>A (p.Ala2895=)

Gene: PCNT (pericentrin; plus strand). Cytogenetic location: 21q22.3.
Variant type: single nucleotide variant.
Coding change: c.8685G>A on transcript NM_006031.6 (MANE Select); coding-DNA position 8685, G replaced by A.
Protein change: p.Ala2895=; no amino-acid change (alanine 2895 retained).
Molecular consequence: synonymous variant. On other transcripts: intron variant (1).
Genome position (GRCh38, 1-based): chr21:46,432,149, G>A. VCF-style: chr21-46432149-G-A. GRCh37 (hg19) VCF-style: chr21-47852063-G-A.
Other names: c.8160+171G>A (NM_001315529.2); c.8685G>A (NM_006031.5).
Identifiers: ClinVar variation 2069960 (VCV002069960.7), dbSNP rs377565074, ClinGen allele CA10081028.

ClinVar aggregate classification (germline): Likely benign. Review status: criteria provided, multiple submitters, no conflicts (2 of 4 stars). 3 submissions from 3 submitters: Likely benign (2). 1 of the submissions does not count toward it. Last evaluated 2025-11-10.

Conditions:
PCNT-related disorder. Also called: PCNT-related condition.

Allele frequency attached by ClinVar (database versions not stated): gnomAD exomes 0.00002; ExAC 0.00004; ESP Exome Variant Server 0.00008; gnomAD 0.00017; TOPMed 0.00020.
gnomAD v4.1: 52 of 1,613,688 alleles (0.0032%); highest among the groups gnomAD compares: African/African-American, 0.044%; no homozygotes.

Submissions (3):

Labcorp Genetics (formerly Invitae), Labcorp
Classification: Likely benign. Last evaluated: 2025-11-10. Review status: criteria provided, single submitter. Criteria: Invitae Variant Classification Sherloc (09022015). Collection method: clinical testing. Allele origin: germline.

Blueprint Genetics
Classification: Likely benign. Last evaluated: 2023-12-18. Review status: criteria provided, single submitter. Criteria: ACMG Guidelines, 2015. Collection method: clinical testing. Allele origin: germline.

PreventionGenetics, part of Exact Sciences
Classification: Likely benign for PCNT-related condition. Last evaluated: 2023-06-13. Review status: no assertion criteria provided. Collection method: clinical testing. Allele origin: germline. Not counted in ClinVar's aggregate classification.
Comment: This variant is classified as likely benign based on ACMG/AMP sequence variant interpretation guidelines (Richards et al. 2015 PMID: 25741868, with internal and published modifications).